The following is an entry in ClinVar:

NM_024580.6(EFL1):c.302C>T (p.Ser101Leu)

Gene: EFL1 (elongation factor like GTPase 1; minus strand). Cytogenetic location: 15q25.2.
Variant type: single nucleotide variant.
Coding change: c.302C>T on transcript NM_024580.6 (MANE Select); coding-DNA position 302, C replaced by T.
Protein change: p.Ser101Leu; replaces serine 101 with leucine.
Molecular consequence: missense variant. On other transcripts: 5 prime UTR variant (1), non-coding transcript variant (1).
Genome position (GRCh38, 1-based): chr15:82,241,346, G>A on the plus strand (C>T on the coding strand, the complement: EFL1 is on the minus strand). VCF-style: chr15-82241346-G-A. GRCh37 (hg19) VCF-style: chr15-82533687-G-A.
Other names: c.149C>T, p.Ser50Leu (NM_001040610.3); c.-488C>T (NM_001322844.2); c.302C>T, p.Ser101Leu (NM_001322845.2); short protein forms S101L, S50L.
Identifiers: ClinVar variation 1351732 (VCV001351732.6), dbSNP rs763927623, ClinGen allele CA7698314.

ClinVar aggregate classification (germline): Uncertain significance (1 of 4 stars; one submission).

Allele frequency attached by ClinVar (database versions not stated): gnomAD exomes 0.00001 and 0.00002; ExAC 0.00002; TOPMed 0.00002.
gnomAD v4.1: 12 of 1,613,878 alleles (0.00074%); highest among the groups gnomAD compares: East Asian, 0.0089%; no homozygotes.

Submission:

Labcorp Genetics (formerly Invitae), Labcorp
Classification: Uncertain significance. Last evaluated: 2025-05-06. Review status: criteria provided, single submitter. Criteria: Invitae Variant Classification Sherloc (09022015). Collection method: clinical testing. Allele origin: germline.
Comment: This sequence change replaces serine, which is neutral and polar, with leucine, which is neutral and non-polar, at codon 101 of the EFL1 protein (p.Ser101Leu). This variant is present in population databases (rs763927623, gnomAD 0.02%). This variant has not been reported in the literature in individuals affected with EFL1-related conditions. ClinVar contains an entry for this variant (Variation ID: 1351732). Invitae Evidence Modeling of protein sequence and biophysical properties (such as structural, functional, and spatial information, amino acid conservation, physicochemical variation, residue mobility, and thermodynamic stability) indicates that this missense variant is expected to disrupt EFL1 protein function with a positive predictive value of 80%. In summary, the available evidence is currently insufficient to determine the role of this variant in disease. Therefore, it has been classified as a Variant of Uncertain Significance.